The following is an entry in ClinVar:

ClinVar aggregate classification (germline): Likely benign (1 of 4 stars; one submission).

gnomAD v4.1: 1 of 1,613,098 alleles (0.000062%); highest among the groups gnomAD compares: Admixed American, 0.0017%; no homozygotes.

Submission:

CeGaT Center for Human Genetics Tuebingen
Classification: Likely benign. Last evaluated: 2026-04-01. Review status: criteria provided, single submitter. Criteria: CeGaT Center For Human Genetics Tuebingen Variant Classification Criteria Version 2. Collection method: clinical testing. Allele origin: germline. Affected: yes. Observed: 2 variant alleles.
Comment: APOB: BP4, BP7

NM_000384.3(APOB):c.12576A>T (p.Ser4192=)

Gene: APOB (apolipoprotein B; minus strand). Cytogenetic location: 2p24.1.
Variant type: single nucleotide variant.
Coding change: c.12576A>T on transcript NM_000384.3 (MANE Select); coding-DNA position 12576, A replaced by T.
Protein change: p.Ser4192=; no amino-acid change (serine 4192 retained).
Molecular consequence: synonymous variant.
Genome position (GRCh38, 1-based): chr2:21,002,846, T>A on the plus strand (A>T on the coding strand, the complement: APOB is on the minus strand). VCF-style: chr2-21002846-T-A. GRCh37 (hg19) VCF-style: chr2-21225718-T-A.
Identifiers: ClinVar variation 4874771 (VCV004874771.2).